The following is an entry in ClinVar:

NM_133261.3(GIPC3):c.-15C>T

Gene: GIPC3 (GIPC PDZ domain containing family member 3; plus strand). Cytogenetic location: 19p13.3.
Variant type: single nucleotide variant.
Coding change: c.-15C>T on transcript NM_133261.3 (MANE Select); 15 bases upstream of the start codon, C replaced by T.
Molecular consequence: 5 prime UTR variant.
Genome position (GRCh38, 1-based): chr19:3,585,583, C>T. VCF-style: chr19-3585583-C-T. GRCh37 (hg19) VCF-style: chr19-3585581-C-T.
Identifiers: ClinVar variation 517174 (VCV000517174.4), dbSNP rs1214727223, ClinGen allele CA631712278.

ClinVar aggregate classification (germline): Uncertain significance (1 of 4 stars; one submission).

Allele frequency attached by ClinVar (database versions not stated): gnomAD 0.00004 and 0.00005; TOPMed 0.00006.

Submission:

Laboratory for Molecular Medicine, Mass General Brigham Personalized Medicine
Classification: Uncertain significance. Last evaluated: 2016-11-30. Review status: criteria provided, single submitter. Criteria: LMM Criteria. Collection method: clinical testing. Allele origin: germline. Observed: 1 variant allele.
Comment: c.-15C>T variant in GIPC3 has not been previously reported in individuals with h earing loss. Data from large population studies is insufficient to assess the f requency of the variant. This variant is located in the 5' UTR, but its effect on translation is unknown. In summary, the clinical significance of this variant is uncertain.